The following is an entry in ClinVar:

ClinVar aggregate classification (germline): Conflicting classifications of pathogenicity. Review status: criteria provided, conflicting classifications (1 of 4 stars). 12 submissions from 12 submitters: Uncertain significance (10); Likely benign (2). Last evaluated 2026-07-25.

Conditions:
Pheochromocytoma. Also called: MAX-Related Hereditary Paraganglioma-Pheochromocytoma Syndrome. Identifiers: Orphanet 29072, MedGen C0031511, MONDO:0008233, OMIM 171300, HP:0002666.
Hirschsprung disease, susceptibility to, 1 (HSCR1). Also called: RET-Related Hirschsprung Disease. Identifiers: Orphanet 388, MedGen C3888239, MONDO:0007723, OMIM 142623.
Familial medullary thyroid carcinoma (MTC). Also called: Thyroid cancer, familial medullary; MTC, familial; Familial Medullary Thyroid Carcinoma (FMTC). Identifiers: Orphanet 653, Orphanet 99361, MedGen C1833921, MONDO:0007958, OMIM 155240.
Multiple endocrine neoplasia type 2B. Also called: MEN IIB; NEUROMATA, MUCOSAL, WITH ENDOCRINE TUMORS; WAGENMANN-FROBOESE SYNDROME; MULTIPLE ENDOCRINE NEOPLASIA, TYPE III; MULTIPLE ENDOCRINE NEOPLASIA, TYPE IIB; MEN 2B. Identifiers: Orphanet 247709, Orphanet 653, MedGen C0025269, MeSH D018814, MONDO:0008082, OMIM 162300.
Multiple endocrine neoplasia type 2A. Also called: Multiple Endocrine Neoplasia Type 2A (MEN2A); MULTIPLE ENDOCRINE NEOPLASIA, TYPE IIA; PTC SYNDROME; SIPPLE SYNDROME; MEN 2A; MEN-2A syndrome. Identifiers: Orphanet 247698, Orphanet 653, MedGen C0025268, MeSH D018813, MONDO:0008234, OMIM 171400.
RET-related disorder. Also called: RET-related disorders; RET-related condition; RET-related disease.
Hereditary cancer-predisposing syndrome. Also called: Tumor predisposition; Hereditary neoplastic syndrome; Hereditary Cancer Syndrome; Neoplastic Syndromes, Hereditary. Identifiers: Orphanet 140162, MedGen C0027672, MeSH D009386, MONDO:0015356.
Multiple endocrine neoplasia, type 2 (MEN2). Identifiers: Orphanet 653, MedGen C4048306, MONDO:0019003. Disease mechanism: gain of function.
Pilocytic astrocytoma. Also called: Pilocytic astrocytoma, somatic. Identifiers: Orphanet 251612, MedGen C0334583, MONDO:0016691, HP:0033680.

Allele frequency attached by ClinVar (database versions not stated): 1000 Genomes Project 0.00060; ExAC 0.00002; gnomAD exomes 0.00001; TOPMed 0.00017; gnomAD 0.00011 and 0.00013; 1000 Genomes Project 30x 0.00062.
gnomAD v4.1: 26 of 1,614,182 alleles (0.0016%); highest among the groups gnomAD compares: Admixed American, 0.04%; no homozygotes.

Submissions (12):

PreventionGenetics, part of Exact Sciences
Classification: Uncertain significance for RET-related condition. Last evaluated: 2026-07-25. Review status: criteria provided, single submitter. Criteria: ACMG Guidelines, 2015. Collection method: clinical testing. Allele origin: germline.
Comment: The RET c.1344C>G variant is predicted to result in the amino acid substitution p.Asn448Lys. To our knowledge, this variant has not been reported in the literature. This variant is reported in 0.0058% of alleles in individuals of Latino descent in gnomAD. This variant has interpretations ranging from uncertain to likely benign in ClinVar (Variation ID: 136098). At this time, the clinical significance of this variant is uncertain due to the absence of conclusive functional and genetic evidence.

Labcorp Genetics (formerly Invitae), Labcorp
Classification: Uncertain significance for Multiple endocrine neoplasia, type 2. Last evaluated: 2026-01-31. Review status: criteria provided, single submitter. Criteria: Invitae Variant Classification Sherloc (09022015). Collection method: clinical testing. Allele origin: germline.
Comment: This sequence change replaces asparagine, which is neutral and polar, with lysine, which is basic and polar, at codon 448 of the RET protein (p.Asn448Lys). This variant is present in population databases (rs549907428, gnomAD 0.009%). This variant has not been reported in the literature in individuals affected with RET-related conditions. ClinVar contains an entry for this variant (Variation ID: 136098). An algorithm developed to predict the effect of missense changes on protein structure and function (PolyPhen-2) suggests that this variant is likely to be tolerated. In summary, the available evidence is currently insufficient to determine the role of this variant in disease. Therefore, it has been classified as a Variant of Uncertain Significance.

All of Us Research Program, National Institutes of Health
Classification: Uncertain significance for Multiple endocrine neoplasia, type 2. Last evaluated: 2024-09-23. Review status: criteria provided, single submitter. Criteria: ACMG Guidelines, 2015. Collection method: clinical testing. Allele origin: germline. Inheritance: Autosomal dominant inheritance. Observed: 17 variant alleles, 15 heterozygotes, 2 homozygotes.
Comment: This missense variant replaces asparagine with lysine at codon 448 of the RET protein. Computational prediction suggests that this variant may not impact protein structure and function (internally defined REVEL score threshold <= 0.5, PMID: 27666373). To our knowledge, functional studies have not been reported for this variant. This variant has not been reported in individuals affected with RET-related disorders in the literature. This variant has been identified in 2/251450 chromosomes in the general population by the Genome Aggregation Database (gnomAD). The available evidence is insufficient to determine the role of this variant in disease conclusively. Therefore, this variant is classified as a Variant of Uncertain Significance.

This study involves interpretation of variants in research participants for the purpose of population health screening. Participant phenotype was not available at the time of variant classification. Additional details can be found in publication PMID: 35346344, PMCID: PMC8962531

Baylor Genetics
Classification: Uncertain significance for Hirschsprung disease, susceptibility to, 1. Last evaluated: 2024-03-27. Review status: criteria provided, single submitter. Criteria: ACMG Guidelines, 2015. Collection method: clinical testing. Allele origin: unknown.

Fulgent Genetics
Classification: Likely benign for Hirschsprung disease, susceptibility to, 1; Familial medullary thyroid carcinoma; Multiple endocrine neoplasia type 2B; Pheochromocytoma; Multiple endocrine neoplasia type 2A. Last evaluated: 2024-03-13. Review status: criteria provided, single submitter. Criteria: ACMG Guidelines, 2015. Collection method: clinical testing. Allele origin: germline.

Quest Diagnostics Nichols Institute San Juan Capistrano
Classification: Uncertain significance. Last evaluated: 2023-12-06. Review status: criteria provided, single submitter. Criteria: Quest Diagnostics criteria. Collection method: clinical testing. Allele origin: unknown.

Color Diagnostics, LLC DBA Color Health
Classification: Uncertain significance for Multiple endocrine neoplasia, type 2. Last evaluated: 2023-11-15. Review status: criteria provided, single submitter. Criteria: ACMG Guidelines, 2015. Collection method: clinical testing. Allele origin: germline.
Comment: This missense variant replaces asparagine with lysine at codon 448 of the RET protein. Computational prediction suggests that this variant may not impact protein structure and function. To our knowledge, functional studies have not been reported for this variant. This variant has not been reported in individuals affected with RET-related disorders in the literature. This variant has been identified in 2/251450 chromosomes in the general population by the Genome Aggregation Database (gnomAD). The available evidence is insufficient to determine the role of this variant in disease conclusively. Therefore, this variant is classified as a Variant of Uncertain Significance.

GeneDx
Classification: Uncertain significance. Last evaluated: 2022-06-07. Review status: criteria provided, single submitter. Criteria: GeneDx Variant Classification Process June 2021. Collection method: clinical testing. Allele origin: germline. Affected: yes.
Comment: Not observed at significant frequency in large population cohorts (gnomAD); In silico analysis supports that this missense variant does not alter protein structure/function; Has not been previously published as pathogenic or benign to our knowledge; This variant is associated with the following publications: (PMID: 14633923)

Ambry Genetics
Classification: Likely benign for Hereditary cancer-predisposing syndrome. Last evaluated: 2022-05-26. Review status: criteria provided, single submitter. Criteria: Ambry Variant Classification Scheme 2023. Collection method: clinical testing. Allele origin: germline.

Sema4
Classification: Uncertain significance for Hereditary cancer-predisposing syndrome. Last evaluated: 2022-01-30. Review status: criteria provided, single submitter. Criteria: Sema4 Curation Guidelines. Collection method: curation. Allele origin: germline.
Comment: The RET c.1344C>G (p.N448K) variant has not been reported in the literature to our knowledge. It was observed in 2/34588 chromosomes of the Latino/Admixed American subpopulation, in the large and broad cohorts of the Genome Aggregation Database (PMID: 32461654). This variant has been reported in ClinVar (Variation ID 136098). Functional studies have not been performed, and in silico predictions of the variant's effect on protein function are inconclusive. Algorithms developed to predict the effect of sequence changes on RNA splicing suggest that this variant may create a cryptic splice site, but this prediction has not been confirmed by published transcriptional studies. The evidence is insufficient to meet ACMG/AMP criteria for classifying the variant as benign or pathogenic. Thus, the clinical significance of this variant is currently uncertain.

Blueprint Genetics
Classification: Uncertain significance. Last evaluated: 2021-05-31. Review status: criteria provided, single submitter. Criteria: ACMG Guidelines, 2015. Collection method: clinical testing. Allele origin: germline.

St. Jude Molecular Pathology, St. Jude Children's Research Hospital
Classification: Uncertain significance for Pilocytic astrocytoma. Last evaluated: 2017-08-24. Review status: criteria provided, single submitter. Criteria: ACMG Guidelines, 2015. Collection method: clinical testing. Allele origin: germline. Affected: yes.

NM_020975.6(RET):c.1344C>G (p.Asn448Lys)

Gene: RET (ret proto-oncogene; plus strand). Cytogenetic location: 10q11.21.
Variant type: single nucleotide variant.
Coding change: c.1344C>G on transcript NM_020975.6 (MANE Select); coding-DNA position 1344, C replaced by G.
Protein change: p.Asn448Lys; replaces asparagine 448 with lysine.
Molecular consequence: missense variant.
Genome position (GRCh38, 1-based): chr10:43,111,287, C>G. VCF-style: chr10-43111287-C-G. GRCh37 (hg19) VCF-style: chr10-43606735-C-G.
Other names: c.1344C>G, p.Asn448Lys (NM_000323.2, NM_001406743.1, NM_001406744.1 and 6 more transcripts); c.582C>G, p.Asn194Lys (NM_001355216.2); c.1215C>G, p.Asn405Lys (NM_001406764.1, NM_001406768.1, NM_001406761.1 and 1 more transcripts); c.1056C>G, p.Asn352Lys (NM_001406766.1, NM_001406767.1, NM_001406770.1); c.948C>G, p.Asn316Lys (NM_001406769.1, NM_001406772.1); c.906C>G, p.Asn302Lys (NM_001406771.1, NM_001406773.1); c.819C>G, p.Asn273Lys (NM_001406774.1); c.618C>G, p.Asn206Lys (NM_001406775.1, NM_001406776.1, NM_001406777.1 and 1 more transcripts); and 1 more; short protein forms N448K, N194K, N302K, N405K, N273K, N316K, N118K, N206K.
Identifiers: ClinVar variation 136098 (VCV000136098.28), dbSNP rs549907428, ClinGen allele CA007539.